The following is an entry in ClinVar:

NM_000384.3(APOB):c.1183C>T (p.Leu395Phe)

Gene: APOB (apolipoprotein B; minus strand). Cytogenetic location: 2p24.1.
Variant type: single nucleotide variant.
Coding change: c.1183C>T on transcript NM_000384.3 (MANE Select); coding-DNA position 1183, C replaced by T.
Protein change: p.Leu395Phe; replaces leucine 395 with phenylalanine.
Molecular consequence: missense variant.
Genome position (GRCh38, 1-based): chr2:21,032,523, G>A on the plus strand (C>T on the coding strand, the complement: APOB is on the minus strand). VCF-style: chr2-21032523-G-A. GRCh37 (hg19) VCF-style: chr2-21255395-G-A.
Other names: short protein forms L395F.
Identifiers: ClinVar variation 1742765 (VCV001742765.7), dbSNP rs946301032, ClinGen allele CA43460477.
Genomic context (GRCh38, chr2:21,032,523, plus strand): 5'-CCAGGTAGGTGACCACATCTATCAGAAGGGGGTTGGCATGCACACGTTTCAGCCACTGGA[G>A]GATGTGAGTGGAGCACTGAGGCTGTCCACACTGAACCAAGGCTTGTAAAGTGATGGGGCT-3'
Protein context (NP_000375.3, residues 385-405): CGQPQCSTHI[Leu395Phe]QWLKRVHANP

ClinVar aggregate classification (germline): Conflicting classifications of pathogenicity. Review status: criteria provided, conflicting classifications (1 of 4 stars). 4 submissions from 4 submitters: Uncertain significance (3); Likely benign (1). Last evaluated 2025-03-10.

Conditions:
Familial hypobetalipoproteinemia 1. Also called: APOB-Related Familial Hypobetalipoproteinemia; Hypobetalipoproteinemia, normotriglyceridemic; Acanthocytosis with hypobetalipoproteinemia. Identifiers: MedGen C4551990, MONDO:0014252, OMIM 615558.
Hypercholesterolemia, autosomal dominant, type B (FHCL2). Also called: Hyperlipoproteinemia Type IIb; Familial hypercholesterolemia 2; Familial Hypercholesterolemia Type B; APOLIPOPROTEIN B-100, FAMILIAL DEFECTIVE; APOLIPOPROTEIN B-100, FAMILIAL LIGAND-DEFECTIVE; HYPERCHOLESTEROLEMIA, FAMILIAL, DUE TO LIGAND-DEFECTIVE APOLIPOPROTEIN B. Identifiers: MedGen C1704417, MONDO:0007751, OMIM 144010.
Cardiovascular phenotype. Identifiers: MedGen CN230736.

Allele frequency attached by ClinVar (database versions not stated): gnomAD 0.00001; gnomAD exomes below 0.00001; TOPMed below 0.00001.
gnomAD v4.1: 7 of 1,614,090 alleles (0.00043%); highest among the groups gnomAD compares: Middle Eastern, 0.016%; no homozygotes.

Submissions (4):

GeneDx
Classification: Uncertain significance. Last evaluated: 2025-03-10. Review status: criteria provided, single submitter. Criteria: GeneDx Variant Classification Process June 2021. Collection method: clinical testing. Allele origin: germline. Affected: yes.
Comment: Not observed at significant frequency in large population cohorts (gnomAD); In silico analysis supports that this missense variant has a deleterious effect on protein structure/function; Has not been previously published as pathogenic or benign to our knowledge

Women's Health and Genetics/Laboratory Corporation of America, LabCorp
Classification: Uncertain significance. Last evaluated: 2025-01-24. Review status: criteria provided, single submitter. Criteria: LabCorp Variant Classification Summary - May 2015. Collection method: clinical testing. Allele origin: germline.
Comment: Variant summary: APOB c.1183C>T (p.Leu395Phe) results in a non-conservative amino acid change located in the Lipoprotein N-terminal Domain (IPR001747) of the encoded protein sequence. Five of five in-silico tools predict a damaging effect of the variant on protein function. The variant allele was found at a frequency of 4e-06 in 251402 control chromosomes. The available data on variant occurrences in the general population are insufficient to allow any conclusion about variant significance. To our knowledge, no occurrence of c.1183C>T in individuals affected with Early Onset Coronary Artery Disease and no experimental evidence demonstrating its impact on protein function have been reported. ClinVar contains an entry for this variant (Variation ID: 1742765). Based on the evidence outlined above, the variant was classified as uncertain significance.

Labcorp Genetics (formerly Invitae), Labcorp
Classification: Likely benign for Familial hypobetalipoproteinemia 1; Hypercholesterolemia, autosomal dominant, type B. Last evaluated: 2024-08-15. Review status: criteria provided, single submitter. Criteria: Invitae Variant Classification Sherloc (09022015). Collection method: clinical testing. Allele origin: germline.

Ambry Genetics
Classification: Uncertain significance for Cardiovascular phenotype. Last evaluated: 2022-03-03. Review status: criteria provided, single submitter. Criteria: Ambry Variant Classification Scheme 2023. Collection method: clinical testing. Allele origin: germline.
Comment: The p.L395F variant (also known as c.1183C>T), located in coding exon 10 of the APOB gene, results from a C to T substitution at nucleotide position 1183. The leucine at codon 395 is replaced by phenylalanine, an amino acid with highly similar properties. This amino acid position is conserved. In addition, the in silico prediction for this alteration is inconclusive. Since supporting evidence is limited at this time, the clinical significance of this alteration remains unclear.